The following is an entry in ClinVar:

ClinVar aggregate classification (germline): Likely benign (1 of 4 stars; one submission).

Submission:

CeGaT Center for Human Genetics Tuebingen
Classification: Likely benign. Last evaluated: 2024-01-01. Review status: criteria provided, single submitter. Criteria: CeGaT Center For Human Genetics Tuebingen Variant Classification Criteria Version 2. Collection method: clinical testing. Allele origin: germline. Affected: yes. Observed: 1 variant allele.
Comment: GARS1: PM2:Supporting, BP4, BP7

NM_002047.4(GARS1):c.138G>A (p.Leu46=)

Gene: GARS1 (glycyl-tRNA synthetase 1; plus strand). Cytogenetic location: 7p14.3.
Variant type: single nucleotide variant.
Coding change: c.138G>A on transcript NM_002047.4 (MANE Select); coding-DNA position 138, G replaced by A.
Protein change: p.Leu46=; no amino-acid change (leucine 46 retained).
Molecular consequence: synonymous variant. On other transcripts: 5 prime UTR variant (1).
Genome position (GRCh38, 1-based): chr7:30,595,059, G>A. VCF-style: chr7-30595059-G-A. GRCh37 (hg19) VCF-style: chr7-30634675-G-A.
Other names: c.-25G>A (NM_001316772.1).
Identifiers: ClinVar variation 3025449 (VCV003025449.22), dbSNP rs2534280777, ClinGen allele CA454518667.